The following is an entry in ClinVar:

ClinVar aggregate classification (germline): Conflicting classifications of pathogenicity. Review status: criteria provided, conflicting classifications (1 of 4 stars). 2 submissions from 2 submitters: Likely pathogenic (1); Uncertain significance (1). Last evaluated 2024-03-08.

Conditions:
Glycogen storage disease, type V (GSD5). Also called: MYOPHOSPHORYLASE DEFICIENCY; MCARDLE DISEASE; MUSCLE GLYCOGEN PHOSPHORYLASE DEFICIENCY; PYGM DEFICIENCY; McArdle type glycogen storage disease. Identifiers: Orphanet 368, MedGen C0017924, MONDO:0009293, OMIM 232600.

Allele frequency attached by ClinVar (database versions not stated): gnomAD exomes below 0.00001; TOPMed below 0.00001; gnomAD 0.00001.

Submissions (2):

Fulgent Genetics
Classification: Uncertain significance for Glycogen storage disease, type V. Last evaluated: 2024-03-08. Review status: criteria provided, single submitter. Criteria: ACMG Guidelines, 2015. Collection method: clinical testing. Allele origin: germline.

GeneDx
Classification: Likely pathogenic. Last evaluated: 2018-05-22. Review status: criteria provided, single submitter. Criteria: GeneDx Variant Classification (06012015). Collection method: clinical testing. Allele origin: germline. Affected: yes.
Comment: The c.1403+2dupT variant in the PYGM gene has not been reported previously as a pathogenic variant nor as a benign variant, to our knowledge. This splice site variant destroys the canonical splice donor site in intron 11. It is predicted to cause abnormal gene splicing, either leading to an abnormal message that is subject to nonsense-mediated mRNA decay, or to an abnormal protein product if the message is used for protein translation. The c.1403+2dupT variant is not observed at a significant frequency in large population cohorts (Lek et al., 2016). We interpret c.1403+2dupT as a likely pathogenic variant.

NM_005609.4(PYGM):c.1403+2dup

Gene: PYGM (glycogen phosphorylase, muscle associated; minus strand). Cytogenetic location: 11q13.1.
Variant type: Duplication.
Coding change: c.1403+2dup on transcript NM_005609.4 (MANE Select); the canonical splice donor site of the intron after coding-DNA position 1403, one base duplicated (T; older notation c.1403+2dupT).
Molecular consequence: splice donor variant.
Genome position (GRCh38, 1-based): chr11:64,753,517, A duplicated on the plus strand (T on the coding strand, the reverse complement: PYGM is on the minus strand). VCF-style (leftmost placement, unchanged base first): chr11-64753516-C-CA. GRCh37 (hg19) VCF-style: chr11-64520988-C-CA.
Other names: c.1139+2dup (NM_001164716.1).
Identifiers: ClinVar variation 546472 (VCV000546472.3), dbSNP rs1489442842, ClinGen allele CA599803650.